The following is an entry in ClinVar:

ClinVar aggregate classification (germline): Conflicting classifications of pathogenicity. Review status: criteria provided, conflicting classifications (1 of 4 stars). 6 submissions from 6 submitters: Pathogenic (1); Likely pathogenic (3); Uncertain significance (1). 1 of the submissions does not count toward it. Last evaluated 2025-12-22.

Conditions:
PKHD1-related disorder. Also called: PKHD1-related condition.
Polycystic kidney disease 4 (PKD4). Also called: POLYCYSTIC KIDNEY DISEASE 4 WITH OR WITHOUT POLYCYSTIC LIVER DISEASE; Autosomal Recessive Polycystic Kidney Disease – PKHD1; POLYCYSTIC KIDNEY AND HEPATIC DISEASE 1; POLYCYSTIC KIDNEY DISEASE, INFANTILE, TYPE I; PKD3. Identifiers: MedGen C4540575, MONDO:0033004, OMIM 263200.
Autosomal recessive polycystic kidney disease (ARPKD). Also called: AR polycystic kidney disease. Identifiers: Orphanet 731, Orphanet 8378, MedGen C0085548, MeSH D017044, MONDO:0009889.

Allele frequency attached by ClinVar (database versions not stated): gnomAD exomes below 0.00001 and 0.00001; TOPMed below 0.00001; ExAC 0.00002.
gnomAD v4.1: 4 of 1,613,122 alleles (0.00025%); highest among the groups gnomAD compares: East Asian, 0.0089%; no homozygotes.

Submissions (6):

Natera, Inc.
Classification: Likely pathogenic for Autosomal recessive polycystic kidney disease. Last evaluated: 2025-12-22. Review status: criteria provided, single submitter. Criteria: Natera Variant Classification Schema (03/2026). Collection method: clinical testing. Allele origin: germline.
Comment: The c.10058T>G variant in PKHD1 is a missense variant predicted to cause substitution of leucine to arginine at amino acid 3353. This variant is rare in the general population with a frequency below the threshold expected for the associated phenotype(s). This variant has been observed in one or more individuals affected with the associated recessive disease, as either homozygous or compound heterozygous with a second variant (PMID: 28578020). Computational prediction algorithms indicate this variant is likely to affect gene or protein function. Given the available evidence, this variant is classified as Likely Pathogenic.

Labcorp Genetics (formerly Invitae), Labcorp
Classification: Pathogenic for Autosomal recessive polycystic kidney disease. Last evaluated: 2024-11-27. Review status: criteria provided, single submitter. Criteria: Invitae Variant Classification Sherloc (09022015). Collection method: clinical testing. Allele origin: germline.
Comment: This sequence change replaces leucine, which is neutral and non-polar, with arginine, which is basic and polar, at codon 3353 of the PKHD1 protein (p.Leu3353Arg). This variant is present in population databases (rs777377414, gnomAD 0.02%). This missense change has been observed in individual(s) with polycystic kidney disease (PMID: 28578020). In at least one individual the data is consistent with being in trans (on the opposite chromosome) from a pathogenic variant. It has also been observed to segregate with disease in related individuals. ClinVar contains an entry for this variant (Variation ID: 557530). Invitae Evidence Modeling of protein sequence and biophysical properties (such as structural, functional, and spatial information, amino acid conservation, physicochemical variation, residue mobility, and thermodynamic stability) indicates that this missense variant is expected to disrupt PKHD1 protein function with a positive predictive value of 95%. For these reasons, this variant has been classified as Pathogenic.

Baylor Genetics
Classification: Likely pathogenic for Polycystic kidney disease 4. Last evaluated: 2023-08-23. Review status: criteria provided, single submitter. Criteria: ACMG Guidelines, 2015. Collection method: clinical testing. Allele origin: unknown.

Women's Health and Genetics/Laboratory Corporation of America, LabCorp
Classification: Uncertain significance. Last evaluated: 2023-08-11. Review status: criteria provided, single submitter. Criteria: LabCorp Variant Classification Summary - May 2015. Collection method: clinical testing. Allele origin: germline.
Comment: Variant summary: PKHD1 c.10058T>G (p.Leu3353Arg) results in a non-conservative amino acid change in the encoded protein sequence. Five of five in-silico tools predict a damaging effect of the variant on protein function. The variant allele was found at a frequency of 1.2e-05 in 251236 control chromosomes. c.10058T>G has been reported in the literature in compound heterozygosity with a second pathogenic variant (c.2341C>T; p.R781X) in two fetuses affected with bilateral kidney enlargement (e.g. Fang_2017). It has also been reported in heterozygosity and compound heterozygosity with variants of uncertain significance in other individuals with Polycystic Kidney And Hepatic Disease (e.g. Fang_2017, Yu_2022, Fu_2022), but the effect of the alterations in these individuals is less clear. These data indicate that the variant may be associated with disease. To our knowledge, no experimental evidence demonstrating an impact on protein function has been reported. The following publications have been ascertained in the context of this evaluation (PMID: 28578020, 35778421, 36307859). Three submitters have cited clinical-significance assessments for this variant to ClinVar after 2014. One classified the variant as pathogenic, one classified the variant as likely pathogenic, and one classified the variant as uncertain significance. Based on the evidence outlined above, the variant was classified as VUS-possibly pathogenic.

Blueprint Genetics
Classification: Likely pathogenic for PKHD1-related disorders. Last evaluated: 2019-11-11. Review status: criteria provided, single submitter. Criteria: ACMG Guidelines, 2015. Collection method: clinical testing. Allele origin: germline. Affected: yes. Observed: 1 variant allele.

Counsyl
Classification: Uncertain significance for Polycystic kidney disease 4. Last evaluated: 2018-03-28. Review status: no assertion criteria provided. Collection method: clinical testing. Allele origin: unknown. Not counted in ClinVar's aggregate classification.

Literature cited by the submitters: PubMed 28578020 (cited by 4 submitters); PubMed 35778421 (cited by Women's Health and Genetics/Laboratory Corporation of America, LabCorp); PubMed 36307859 (cited by Women's Health and Genetics/Laboratory Corporation of America, LabCorp).

NM_138694.4(PKHD1):c.10058T>G (p.Leu3353Arg)

Gene: PKHD1 (PKHD1 ciliary IPT domain containing fibrocystin/polyductin; minus strand). Cytogenetic location: 6p12.3.
Variant type: single nucleotide variant.
Coding change: c.10058T>G on transcript NM_138694.4 (MANE Select); coding-DNA position 10058, T replaced by G.
Protein change: p.Leu3353Arg; replaces leucine 3353 with arginine.
Molecular consequence: missense variant.
Genome position (GRCh38, 1-based): chr6:51,744,483, A>C on the plus strand (T>G on the coding strand, the complement: PKHD1 is on the minus strand). VCF-style: chr6-51744483-A-C. GRCh37 (hg19) VCF-style: chr6-51609281-A-C.
Other names: c.10058T>G, p.Leu3353Arg (NM_170724.3); short protein forms L3353R.
Identifiers: ClinVar variation 557530 (VCV000557530.12), dbSNP rs777377414, ClinGen allele CA3851258.